The following is an entry in ClinVar:

NM_000361.3(THBD):c.1103C>T (p.Pro368Leu)

Gene: THBD (thrombomodulin; minus strand). Cytogenetic location: 20p11.21.
Variant type: single nucleotide variant.
Coding change: c.1103C>T on transcript NM_000361.3 (MANE Select); coding-DNA position 1103, C replaced by T.
Protein change: p.Pro368Leu; replaces proline 368 with leucine.
Molecular consequence: missense variant.
Genome position (GRCh38, 1-based): chr20:23,048,402, G>A on the plus strand (C>T on the coding strand, the complement: THBD is on the minus strand). VCF-style: chr20-23048402-G-A. GRCh37 (hg19) VCF-style: chr20-23029039-G-A.
Other names: short protein forms P368L.
Identifiers: ClinVar variation 4280585 (VCV004280585.1).

ClinVar aggregate classification (germline): Uncertain significance (1 of 4 stars; one submission).

Conditions:
Thrombomodulin-related bleeding disorder (THPH12). Also called: Thrombophilia due to thrombomodulin defect. Identifiers: Orphanet 436169, MedGen C3280976, MONDO:0013775, OMIM 614486.

Submission:

Genomenon, Inc
Classification: Uncertain significance for Thrombomodulin-related bleeding disorder. Last evaluated: 2025-09-22. Review status: criteria provided, single submitter. Criteria: Genomenon Sequence Variant Interpretation Standards - Updated. Collection method: curation. Allele origin: germline. Affected: no.
Comment: THBD p.Pro368Leu (c.1103C>T) is a missense variant that changes the amino acid at residue 368 from Proline to Leucine. This variant has been reported in the published literature (PMID:26613809). It is absent or not present at a significant frequency in gnomAD. In conclusion, we classify THBD p.Pro368Leu (c.1103C>T) as a variant of unknown significance.

Literature cited by the submitters: PubMed 26613809.